The following is an entry in ClinVar:

NC_000022.10:g.(?_20008632)_(20054688_?)del

Gene: TANGO2 (transport and golgi organization 2 homolog; plus strand). Cytogenetic location: 22q11.21.
Variant type: Deletion.
Identifiers: ClinVar variation 4853564 (VCV004853564.1).

ClinVar aggregate classification (germline): Pathogenic (1 of 4 stars; one submission).

Conditions:
Recurrent metabolic encephalomyopathic crises-rhabdomyolysis-cardiac arrhythmia-intellectual disability syndrome (MECRCN). Also called: Metabolic encephalomyopathic crises, recurrent, with rhabdomyolysis, cardiac arrhythmias, and neurodegeneration; METABOLIC CRISES, RECURRENT, WITH RHABDOMYOLYSIS, CARDIAC ARRHYTHMIAS, AND NEURODEGENERATION; TANGO2 Deficiency. Identifiers: Orphanet 480864, MedGen C5567524, MONDO:0018820, OMIM 616878.

Submission:

Women's Health and Genetics/Laboratory Corporation of America, LabCorp
Classification: Pathogenic for Recurrent metabolic encephalomyopathic crises-rhabdomyolysis-cardiac arrhythmia-intellectual disability syndrome. Last evaluated: 2026-05-05. Review status: criteria provided, single submitter. Criteria: LabCorp Variant Classification Summary - May 2015. Collection method: clinical testing. Allele origin: germline.
Comment: Variant summary: The variant involves the deletion of exons 1-9 in the TANGO2 gene. A presumed nomenclature of c.(?_-177)_(*2503_?)del has been designated for the purposes of this classification. This deletion includes the entire coding sequence of the gene. As the exact proximal and distal breakpoints are unknown, it may extend beyond the annotated region of the gene to include other flanking genes. Loss-of-function variants in this gene are known to be pathogenic. The variant was absent in 21694 control chromosomes. A deletion involving the deletion of exons 1-9 in TANGO2 has been observed in the compound heterozygous state in an individual affected with TANGO2-related disorder, although this deletion also had consequences in other genes (Dines_2018). To our knowledge, no experimental evidence demonstrating an impact on protein function has been reported. The following publication has been ascertained in the context of this evaluation (PMID: 30245509). No submitters have cited clinical-significance assessments for this variant to ClinVar. Based on the evidence outlined above, the variant was classified as pathogenic.

Literature cited by the submitters: PubMed 30245509.